The following is an entry in ClinVar:

NM_000138.5(FBN1):c.2051G>A (p.Cys684Tyr)

Gene: FBN1 (fibrillin 1; minus strand). Cytogenetic location: 15q21.1.
Variant type: single nucleotide variant.
Coding change: c.2051G>A on transcript NM_000138.5 (MANE Select); coding-DNA position 2051, G replaced by A.
Protein change: p.Cys684Tyr; replaces cysteine 684 with tyrosine.
Molecular consequence: missense variant.
Genome position (GRCh38, 1-based): chr15:48,503,849, C>T on the plus strand (G>A on the coding strand, the complement: FBN1 is on the minus strand). VCF-style: chr15-48503849-C-T. GRCh37 (hg19) VCF-style: chr15-48796046-C-T.
Other names: short protein forms C684Y.
Identifiers: ClinVar variation 854113 (VCV000854113.45), dbSNP rs1555399763, ClinGen allele CA392338310.

ClinVar aggregate classification (germline): Pathogenic/Likely pathogenic. Review status: criteria provided, multiple submitters, no conflicts (2 of 4 stars). 6 submissions from 6 submitters: Pathogenic (4); Likely pathogenic (1). 1 of the submissions does not count toward it. Last evaluated 2024-12-19.

Conditions:
Marfan syndrome (MFS). Also called: FBN1-Related Marfan Syndrome; Marfan's syndrome; MARFAN SYNDROME, TYPE I; Marfan syndrome type 1; Marfan syndrome, classic. Identifiers: Orphanet 284963, Orphanet 558, MedGen C0024796, MONDO:0007947, OMIM 154700.
FBN1-related disorder. Also called: FBN1-related disorders.
Familial thoracic aortic aneurysm and aortic dissection (TAAD). Also called: Thoracic aortic aneurysms and dissections. Identifiers: Orphanet 91387, MedGen C4707243, MONDO:0019625.

Submissions (6):

Genomic Medicine Center of Excellence, King Faisal Specialist Hospital and Research Centre
Classification: Pathogenic for Marfan syndrome. Last evaluated: 2024-12-19. Review status: criteria provided, single submitter. Criteria: ACMG Guidelines, 2015. Collection method: clinical testing. Allele origin: germline.

GeneDx
Classification: Pathogenic. Last evaluated: 2024-03-12. Review status: criteria provided, single submitter. Criteria: GeneDx Variant Classification Process June 2021. Collection method: clinical testing. Allele origin: germline. Affected: yes.
Comment: Affects a cysteine residue within a TGF-binding protein domain (aka TB domain or 8-Cysteine domain) and is expected to disrupt disulfide bonding within this domain; other missense substitutions that affect cysteine residues within this TGF-binding protein domain have been reported in association with various FBN1-related phenotypes, including Marfan syndrome (HGMD); Not observed at significant frequency in large population cohorts (gnomAD); In silico analysis supports that this missense variant has a deleterious effect on protein structure/function; This variant is associated with the following publications: (PMID: 24698609, 18435798, 35058154, 29620724)

Labcorp Genetics (formerly Invitae), Labcorp
Classification: Pathogenic for Marfan syndrome; Familial thoracic aortic aneurysm and aortic dissection. Last evaluated: 2023-12-18. Review status: criteria provided, single submitter. Criteria: Invitae Variant Classification Sherloc (09022015). Collection method: clinical testing. Allele origin: germline.
Comment: This sequence change replaces cysteine, which is neutral and slightly polar, with tyrosine, which is neutral and polar, at codon 684 of the FBN1 protein (p.Cys684Tyr). This variant is not present in population databases (gnomAD no frequency). This missense change has been observed in individuals with Marfan syndrome (PMID: 18435798, 21932315, 24698609). ClinVar contains an entry for this variant (Variation ID: 854113). Advanced modeling of protein sequence and biophysical properties (such as structural, functional, and spatial information, amino acid conservation, physicochemical variation, residue mobility, and thermodynamic stability) performed at Invitae indicates that this missense variant is expected to disrupt FBN1 protein function with a positive predictive value of 95%. This variant affects a cysteine residue in the EGF-like, TGFBP or hybrid motif domains of FBN1. Cysteine residues are believed to be involved in intramolecular disulfide bridges and have been shown to be important for FBN1 protein structure (PMID: 16905551, 19349279). In addition, missense substitutions affecting cysteine residues within these domains are significantly overrepresented among patients with Marfan syndrome (PMID: 16571647, 17701892). For these reasons, this variant has been classified as Pathogenic.

Blueprint Genetics
Classification: Pathogenic for FBN1-related disorders. Last evaluated: 2021-07-15. Review status: criteria provided, single submitter. Criteria: ACMG Guidelines, 2015. Collection method: clinical testing. Allele origin: germline. Affected: yes. Observed: 1 variant allele.

Centre of Medical Genetics, University of Antwerp
Classification: Likely pathogenic for Marfan syndrome. Last evaluated: 2021-03-01. Review status: criteria provided, single submitter. Criteria: Submitter's publication. Collection method: research. Allele origin: unknown. Affected: yes.
Comment: PM2, PS5, PP4

Clinical Laboratory Sciences Program (CLSP), King Saud bin Abdulaziz University for Health Sciences (KSAU-HS)
Classification: Pathogenic for Marfan syndrome. Last evaluated: 2023-04-01. Review status: no assertion criteria provided. Collection method: clinical testing. Allele origin: germline. Affected: yes. Not counted in ClinVar's aggregate classification.

Literature cited by the submitters: PubMed 18435798 (cited by Labcorp Genetics (formerly Invitae), Labcorp); PubMed 21932315 (cited by Labcorp Genetics (formerly Invitae), Labcorp); PubMed 24698609 (cited by Labcorp Genetics (formerly Invitae), Labcorp); PubMed 16905551 (cited by Labcorp Genetics (formerly Invitae), Labcorp); PubMed 19349279 (cited by Labcorp Genetics (formerly Invitae), Labcorp); PubMed 16571647 (cited by Labcorp Genetics (formerly Invitae), Labcorp); PubMed 17701892 (cited by Labcorp Genetics (formerly Invitae), Labcorp).